The following is an entry in ClinVar:

NM_000528.4(MAN2B1):c.2903T>C (p.Leu968Pro)

Gene: MAN2B1 (mannosidase alpha class 2B member 1; minus strand). Cytogenetic location: 19p13.13.
Variant type: single nucleotide variant.
Coding change: c.2903T>C on transcript NM_000528.4 (MANE Select); coding-DNA position 2903, T replaced by C.
Protein change: p.Leu968Pro; replaces leucine 968 with proline.
Molecular consequence: missense variant.
Genome position (GRCh38, 1-based): chr19:12,647,253, A>G on the plus strand (T>C on the coding strand, the complement: MAN2B1 is on the minus strand). VCF-style: chr19-12647253-A-G. GRCh37 (hg19) VCF-style: chr19-12758067-A-G.
Other names: c.2900T>C, p.Leu967Pro (NM_001173498.2); short protein forms L967P, L968P.
Identifiers: ClinVar variation 2144283 (VCV002144283.1), dbSNP rs200431869, ClinGen allele CA9225883.
Genomic context (GRCh38, chr19:12,647,253, plus strand): 5'-TAAGACTCCACCCCTTCCCTACCCCTGACCAGGGCCCCACCTGTGTTTGTTGTCCACTTG[A>G]GCCTGGAGGCTGCCTCGCGGAGCTGGTTGGCCACCAGCGTGGTCTCCTGCAGGCGGGTGA-3'
Protein context (NP_000519.2, residues 958-978): ANQLREAASR[Leu968Pro]KWTTNTGPTP

ClinVar aggregate classification (germline): Uncertain significance (1 of 4 stars; one submission).

Conditions:
Deficiency of alpha-mannosidase (MANSA). Also called: LYSOSOMAL ALPHA-D-MANNOSIDASE DEFICIENCY; Alpha-Mannosidosis; Mannosidosis, alpha-, types I and II. Identifiers: Orphanet 61, MedGen C0024748, MONDO:0009561, OMIM 248500.

Allele frequency attached by ClinVar (database versions not stated): gnomAD 0.00001; TOPMed 0.00001; ExAC 0.00005; 1000 Genomes Project 0.00040; 1000 Genomes Project 30x 0.00047.
gnomAD v4.1: 20 of 1,613,912 alleles (0.0012%); highest among the groups gnomAD compares: Admixed American, 0.025%; 1 homozygote.

Submission:

Labcorp Genetics (formerly Invitae), Labcorp
Classification: Uncertain significance for Deficiency of alpha-mannosidase. Last evaluated: 2022-10-04. Review status: criteria provided, single submitter. Criteria: Invitae Variant Classification Sherloc (09022015). Collection method: clinical testing. Allele origin: germline.
Comment: This sequence change replaces leucine, which is neutral and non-polar, with proline, which is neutral and non-polar, at codon 968 of the MAN2B1 protein (p.Leu968Pro). This variant is present in population databases (rs200431869, gnomAD 0.03%). This variant has not been reported in the literature in individuals affected with MAN2B1-related conditions. Advanced modeling of protein sequence and biophysical properties (such as structural, functional, and spatial information, amino acid conservation, physicochemical variation, residue mobility, and thermodynamic stability) has been performed at Invitae for this missense variant, however the output from this modeling did not meet the statistical confidence thresholds required to predict the impact of this variant on MAN2B1 protein function. In summary, the available evidence is currently insufficient to determine the role of this variant in disease. Therefore, it has been classified as a Variant of Uncertain Significance.